The following is an entry in ClinVar:

ClinVar aggregate classification (germline): Uncertain significance. Review status: criteria provided, multiple submitters, no conflicts (2 of 4 stars). 2 submissions from 2 submitters: Uncertain significance (2). Last evaluated 2024-01-29.

Conditions:
Inborn genetic diseases. Identifiers: MedGen C0950123, MeSH D030342.

Allele frequency attached by ClinVar (database versions not stated): gnomAD 0.00014 and 0.00015; TOPMed 0.00014; 1000 Genomes Project 30x 0.00016; 1000 Genomes Project 0.00020; gnomAD exomes 0.00033; ExAC 0.00036.
gnomAD v4.1: 297 of 1,613,936 alleles (0.018%); highest among the groups gnomAD compares: South Asian, 0.17%; 1 homozygote.

Submissions (2):

Labcorp Genetics (formerly Invitae), Labcorp
Classification: Uncertain significance. Last evaluated: 2024-01-29. Review status: criteria provided, single submitter. Criteria: Invitae Variant Classification Sherloc (09022015). Collection method: clinical testing. Allele origin: germline.
Comment: This sequence change replaces threonine, which is neutral and polar, with methionine, which is neutral and non-polar, at codon 79 of the CREB3L1 protein (p.Thr79Met). The frequency data for this variant in the population databases is considered unreliable, as metrics indicate poor data quality at this position in the gnomAD database. This variant has not been reported in the literature in individuals affected with CREB3L1-related conditions. ClinVar contains an entry for this variant (Variation ID: 1417122). An algorithm developed to predict the effect of missense changes on protein structure and function (PolyPhen-2) suggests that this variant¬†is likely to be tolerated. In summary, the available evidence is currently insufficient to determine the role of this variant in disease. Therefore, it has been classified as a Variant of Uncertain Significance.

Ambry Genetics
Classification: Uncertain significance for Inborn genetic diseases. Last evaluated: 2021-07-20. Review status: criteria provided, single submitter. Criteria: Ambry Variant Classification Scheme 2023. Collection method: clinical testing. Allele origin: germline.

NM_052854.4(CREB3L1):c.236C>T (p.Thr79Met)

Gene: CREB3L1 (cAMP responsive element binding protein 3 like 1; plus strand). Cytogenetic location: 11p11.2.
Variant type: single nucleotide variant.
Coding change: c.236C>T on transcript NM_052854.4 (MANE Select); coding-DNA position 236, C replaced by T.
Protein change: p.Thr79Met; replaces threonine 79 with methionine.
Molecular consequence: missense variant.
Genome position (GRCh38, 1-based): chr11:46,300,068, C>T. VCF-style: chr11-46300068-C-T. GRCh37 (hg19) VCF-style: chr11-46321619-C-T.
Other names: c.236C>T (NM_052854.2); short protein forms T79M.
Identifiers: ClinVar variation 1417122 (VCV001417122.5), dbSNP rs529633529, ClinGen allele CA5961515.